The following is an entry in ClinVar:

NM_001282112.2(TOP3B):c.1093G>A (p.Asp365Asn)

Gene: TOP3B (DNA topoisomerase III beta; minus strand). Cytogenetic location: 22q11.22.
Variant type: single nucleotide variant.
Coding change: c.1093G>A on transcript NM_001282112.2 (MANE Select); coding-DNA position 1093, G replaced by A.
Protein change: p.Asp365Asn; replaces aspartic acid 365 with asparagine.
Molecular consequence: missense variant. On other transcripts: non-coding transcript variant (1).
Genome position (GRCh38, 1-based): chr22:21,964,166, C>T on the plus strand (G>A on the coding strand, the complement: TOP3B is on the minus strand). VCF-style: chr22-21964166-C-T. GRCh37 (hg19) VCF-style: chr22-22318538-C-T.
Other names: c.1093G>A, p.Asp365Asn (NM_001282113.2, NM_001349845.2, NM_001349847.2 and 1 more transcripts); c.685G>A, p.Asp229Asn (NM_001349848.2, NM_001349850.2, NM_001349851.2 and 1 more transcripts); short protein forms D229N, D365N.
Identifiers: ClinVar variation 3057045 (VCV003057045.2), dbSNP rs9610728, ClinGen allele CA10125763.

ClinVar aggregate classification (germline): Benign (0 of 4 stars; one submission).

Conditions:
TOP3B-related disorder. Also called: TOP3B-related condition.

Allele frequency attached by ClinVar (database versions not stated): 1000 Genomes Project 0.09784; 1000 Genomes Project 30x 0.09806; ExAC 0.10321; gnomAD exomes 0.11251; TOPMed 0.11489; gnomAD 0.11691; ESP Exome Variant Server 0.12071.
gnomAD v4.1: 182,072 of 1,613,816 alleles (11%); highest among the groups gnomAD compares: Non-Finnish European, 12%; 10,779 homozygotes.

Submission:

PreventionGenetics, part of Exact Sciences
Classification: Benign for TOP3B-related condition. Last evaluated: 2019-10-22. Review status: no assertion criteria provided. Collection method: clinical testing. Allele origin: germline.
Comment: This variant is classified as benign based on ACMG/AMP sequence variant interpretation guidelines (Richards et al. 2015 PMID: 25741868, with internal and published modifications).